The following is an entry in ClinVar:

ClinVar aggregate classification (germline): Benign. Review status: criteria provided, multiple submitters, no conflicts (2 of 4 stars). 4 submissions from 4 submitters: Benign (4). Last evaluated 2026-04-01.

Allele frequency attached by ClinVar (database versions not stated): 1000 Genomes Project 30x 0.00281; 1000 Genomes Project 0.00319; TOPMed 0.00700; gnomAD 0.00823 and 0.00849; ESP Exome Variant Server 0.00832; gnomAD exomes 0.00857 and 0.00992; ExAC 0.00939.
gnomAD v4.1: 13,748 of 1,416,628 alleles (0.97%); highest among the groups gnomAD compares: Non-Finnish European, 1.1%; 86 homozygotes.

Submissions (4):

CeGaT Center for Human Genetics Tuebingen
Classification: Benign. Last evaluated: 2026-04-01. Review status: criteria provided, single submitter. Criteria: CeGaT Center For Human Genetics Tuebingen Variant Classification Criteria Version 2. Collection method: clinical testing. Allele origin: germline. Affected: yes. Observed: 9 variant alleles.
Comment: NR1H4: BP4, BS1, BS2

Labcorp Genetics (formerly Invitae), Labcorp
Classification: Benign. Last evaluated: 2026-01-22. Review status: criteria provided, single submitter. Criteria: Invitae Variant Classification Sherloc (09022015). Collection method: clinical testing. Allele origin: germline.

Mayo Clinic Laboratories, Mayo Clinic
Classification: Benign. Last evaluated: 2024-12-16. Review status: criteria provided, single submitter. Criteria: ACMG Guidelines, 2015. Collection method: clinical testing. Allele origin: germline. Observed: 6 variant alleles.
Comment: BA1, BP4

Breakthrough Genomics
Classification: Benign. Review status: criteria provided, single submitter. Criteria: ACMG Guidelines, 2015. Collection method: not provided. Allele origin: germline. Inheritance: Autosomal recessive inheritance. Affected: yes.

NM_001206979.2(NR1H4):c.831+8T>A

Gene: NR1H4 (nuclear receptor subfamily 1 group H member 4; plus strand). Cytogenetic location: 12q23.1.
Variant type: single nucleotide variant.
Coding change: c.831+8T>A on transcript NM_001206979.2 (MANE Select); 8 bases into the intron after coding-DNA position 831, T replaced by A.
Molecular consequence: intron variant.
Genome position (GRCh38, 1-based): chr12:100,536,618, T>A. VCF-style: chr12-100536618-T-A. GRCh37 (hg19) VCF-style: chr12-100930396-T-A.
Other names: p.?; c.831+8T>A (NM_001206977.2); c.819+8T>A (NM_005123.4); c.678+8T>A (NM_001206978.2); c.861+8T>A (NM_001206993.2); c.849+8T>A (NM_001206992.2).
Identifiers: ClinVar variation 778646 (VCV000778646.37), dbSNP rs191889376, ClinGen allele CA6739344.